The following is an entry in ClinVar:

NM_003620.4(PPM1D):c.233C>T (p.Pro78Leu)

Gene: PPM1D (protein phosphatase, Mg2+/Mn2+ dependent 1D; plus strand). Cytogenetic location: 17q23.2.
Variant type: single nucleotide variant.
Coding change: c.233C>T on transcript NM_003620.4 (MANE Select); coding-DNA position 233, C replaced by T.
Protein change: p.Pro78Leu; replaces proline 78 with leucine.
Molecular consequence: missense variant.
Genome position (GRCh38, 1-based): chr17:60,600,647, C>T. VCF-style: chr17-60600647-C-T. GRCh37 (hg19) VCF-style: chr17-58678008-C-T.
Other names: short protein forms P78L.
Identifiers: ClinVar variation 2053081 (VCV002053081.5), dbSNP rs1289294131, ClinGen allele CA400453646.

ClinVar aggregate classification (germline): Uncertain significance. Review status: criteria provided, multiple submitters, no conflicts (2 of 4 stars). 2 submissions from 2 submitters: Uncertain significance (2). Last evaluated 2024-09-23.

Conditions:
Inborn genetic diseases. Identifiers: MedGen C0950123, MeSH D030342.

Allele frequency attached by ClinVar (database versions not stated): gnomAD exomes below 0.00001.
gnomAD v4.1: 1 of 1,549,020 alleles (0.000065%); highest among the groups gnomAD compares: Non-Finnish European, 0.000087%; no homozygotes.

Submissions (2):

Labcorp Genetics (formerly Invitae), Labcorp
Classification: Uncertain significance. Last evaluated: 2024-09-23. Review status: criteria provided, single submitter. Criteria: Invitae Variant Classification Sherloc (09022015). Collection method: clinical testing. Allele origin: germline.
Comment: This sequence change replaces proline, which is neutral and non-polar, with leucine, which is neutral and non-polar, at codon 78 of the PPM1D protein (p.Pro78Leu). This variant is not present in population databases (gnomAD no frequency). This variant has not been reported in the literature in individuals affected with PPM1D-related conditions. ClinVar contains an entry for this variant (Variation ID: 2053081). An algorithm developed to predict the effect of missense changes on protein structure and function (PolyPhen-2) suggests that this variant is likely to be tolerated. In summary, the available evidence is currently insufficient to determine the role of this variant in disease. Therefore, it has been classified as a Variant of Uncertain Significance.

Ambry Genetics
Classification: Uncertain significance for Inborn genetic diseases. Last evaluated: 2023-12-12. Review status: criteria provided, single submitter. Criteria: Ambry Variant Classification Scheme 2023. Collection method: clinical testing. Allele origin: germline.